The following is an entry in ClinVar:

ClinVar aggregate classification (germline): Uncertain significance (1 of 4 stars; one submission).

Submission:

Labcorp Genetics (formerly Invitae), Labcorp
Classification: Uncertain significance. Last evaluated: 2024-04-15. Review status: criteria provided, single submitter. Criteria: Invitae Variant Classification Sherloc (09022015). Collection method: clinical testing. Allele origin: germline.
Comment: This variant, c.106_108dup, results in the insertion of 1 amino acid(s) of the BMP2 protein (p.Ala36dup), but otherwise preserves the integrity of the reading frame. The frequency data for this variant in the population databases is considered unreliable, as metrics indicate poor data quality at this position in the gnomAD database. This variant has not been reported in the literature in individuals affected with BMP2-related conditions. In summary, the available evidence is currently insufficient to determine the role of this variant in disease. Therefore, it has been classified as a Variant of Uncertain Significance.

NM_001200.4(BMP2):c.100GCG[4] (p.Ala36_Ser37insAla)

Gene: BMP2 (bone morphogenetic protein 2; plus strand). Cytogenetic location: 20p12.3.
Variant type: Microsatellite.
Coding change: c.100GCG[4] on transcript NM_001200.4 (MANE Select); four copies in a row of the 3-base unit GCG starting at c.100; the reference has three copies in a row; one copy, 3 bases duplicated.
Protein change: p.Ala36_Ser37insAla.
Molecular consequence: inframe insertion.
Genome position (GRCh38, 1-based): chr20:6,770,232-6,770,234, GCG duplicated; duplicating any 3 consecutive bases within chr20:6,770,226-6,770,234 gives the same sequence; the position shown is the placement nearest the transcript's 3' end. VCF-style (leftmost placement, unchanged base first): chr20-6770225-C-CGCG. GRCh37 (hg19) VCF-style: chr20-6750872-C-CGCG.
Identifiers: ClinVar variation 1938652 (VCV001938652.5), dbSNP rs761000959, ClinGen allele CA9758595.